The following is an entry in ClinVar:

ClinVar aggregate classification (germline): Uncertain significance (1 of 4 stars; one submission).

Conditions:
Ataxia-telangiectasia syndrome (AT). Also called: Ataxia telangiectasia (A-T); LOUIS-BAR SYNDROME; Cerebello-oculocutaneous telangiectasia; Immunodeficiency with ataxia telangiectasia; Ataxia-telangiectasia, complementation group D; AT, COMPLEMENTATION GROUP C. Identifiers: Orphanet 100, MedGen C0004135, MONDO:0008840, OMIM 208900.

Submission:

Labcorp Genetics (formerly Invitae), Labcorp
Classification: Uncertain significance for Ataxia-telangiectasia syndrome. Last evaluated: 2022-09-23. Review status: criteria provided, single submitter. Criteria: Invitae Variant Classification Sherloc (09022015). Collection method: clinical testing. Allele origin: germline.
Comment: This variant has not been reported in the literature in individuals affected with ATM-related conditions. This variant is not present in population databases (gnomAD no frequency). Algorithms developed to predict the effect of missense changes on protein structure and function are either unavailable or do not agree on the potential impact of this missense change (SIFT: "Deleterious"; PolyPhen-2: "Possibly Damaging"; Align-GVGD: "Class C0"). In summary, the available evidence is currently insufficient to determine the role of this variant in disease. Therefore, it has been classified as a Variant of Uncertain Significance. This sequence change replaces glutamine, which is neutral and polar, with histidine, which is basic and polar, at codon 2590 of the ATM protein (p.Gln2590His).

NM_000051.4(ATM):c.7770A>C (p.Gln2590His)

Genes: ATM (ATM serine/threonine kinase; plus strand), C11orf65 (chromosome 11 open reading frame 65; minus strand). Cytogenetic location: 11q22.3.
Variant type: single nucleotide variant.
Coding change: c.7770A>C on transcript NM_000051.4 (MANE Select); coding-DNA position 7770, A replaced by C.
Protein change: p.Gln2590His; replaces glutamine 2590 with histidine.
Molecular consequence: missense variant. On other transcripts: intron variant (2).
Genome position (GRCh38, 1-based): chr11:108,332,019, A>C. VCF-style: chr11-108332019-A-C. GRCh37 (hg19) VCF-style: chr11-108202746-A-C.
Other names: c.7770A>C, p.Gln2590His (NM_001351834.2); c.641-22948T>G (NM_001330368.2); c.*38+3201T>G (NM_001351110.2); short protein forms Q2590H.
Identifiers: ClinVar variation 1720185 (VCV001720185.6), dbSNP rs864622437, ClinGen allele CA382561186.